The following is an entry in ClinVar:

ClinVar aggregate classification (germline): Uncertain significance (1 of 4 stars; one submission).

Conditions:
Nephrolithiasis/nephrocalcinosis. Identifiers: MedGen CN580796.

Submission:

Ambry Genetics
Classification: Uncertain significance for Nephrolithiasis/nephrocalcinosis. Last evaluated: 2024-01-16. Review status: criteria provided, single submitter. Criteria: Ambry Variant Classification Scheme 2023. Collection method: clinical testing. Allele origin: germline.
Comment: The c.-5G>A variant is located in the 5' untranslated region (5&rsquo; UTR) of the CASR gene. This variant results from a G to A substitution 5 bases upstream from the first translated codon. This nucleotide position is well conserved in available vertebrate species. Since supporting evidence is limited at this time, the clinical significance of this alteration remains unclear.

NM_000388.4(CASR):c.-5G>A

Gene: CASR (calcium sensing receptor; plus strand). Cytogenetic location: 3q21.1.
Variant type: single nucleotide variant.
Coding change: c.-5G>A on transcript NM_000388.4 (MANE Select); 5 bases upstream of the start codon, G replaced by A.
Molecular consequence: 5 prime UTR variant.
Genome position (GRCh38, 1-based): chr3:122,254,185, G>A. VCF-style: chr3-122254185-G-A. GRCh37 (hg19) VCF-style: chr3-121973032-G-A.
Other names: c.-5G>A (NM_001178065.2).
Identifiers: ClinVar variation 3231581 (VCV003231581.1), dbSNP rs2473204874, ClinGen allele CA2825001188.
Genomic context (GRCh38, chr3:122,254,185, plus strand): 5'-GAAACTTCTGGGAGCCTCCAAACTCCTAGCTGTCTCATCCCTTGCCCTGGAGAGACGGCA[G>A]AACCATGGCATTTTATAGCTGCTGCTGGGTCCTCTTGGCACTCACCTGGCACACCTCTGC-3'